The following is an entry in ClinVar:

NM_152296.5(ATP1A3):c.1541A>C (p.Gln514Pro)

Gene: ATP1A3 (ATPase Na+/K+ transporting subunit alpha 3; minus strand). Cytogenetic location: 19q13.2.
Variant type: single nucleotide variant.
Coding change: c.1541A>C on transcript NM_152296.5 (MANE Select); coding-DNA position 1541, A replaced by C.
Protein change: p.Gln514Pro; replaces glutamine 514 with proline.
Molecular consequence: missense variant.
Genome position (GRCh38, 1-based): chr19:41,978,695, T>G on the plus strand (A>C on the coding strand, the complement: ATP1A3 is on the minus strand). VCF-style: chr19-41978695-T-G. GRCh37 (hg19) VCF-style: chr19-42482847-T-G.
Other names: c.1574A>C, p.Gln525Pro (NM_001256213.2); c.1580A>C, p.Gln527Pro (NM_001256214.2); short protein forms Q527P, Q514P, Q525P.
Identifiers: ClinVar variation 1484466 (VCV001484466.8), dbSNP rs2145965993, ClinGen allele CA406046917.

ClinVar aggregate classification (germline): Uncertain significance (1 of 4 stars; one submission).

Conditions:
Dystonia 12 (DYT12). Also called: DYT-ATP1A3; Rapid-Onset Dystonia-Parkinsonism (RDP). Identifiers: Orphanet 71517, MedGen C1868681, MONDO:0007496, OMIM 128235.

Submission:

Labcorp Genetics (formerly Invitae), Labcorp
Classification: Uncertain significance for Dystonia 12. Last evaluated: 2022-08-23. Review status: criteria provided, single submitter. Criteria: Invitae Variant Classification Sherloc (09022015). Collection method: clinical testing. Allele origin: germline.
Comment: This variant has not been reported in the literature in individuals affected with ATP1A3-related conditions. This sequence change replaces glutamine, which is neutral and polar, with proline, which is neutral and non-polar, at codon 514 of the ATP1A3 protein (p.Gln514Pro). This variant is not present in population databases (gnomAD no frequency). ClinVar contains an entry for this variant (Variation ID: 1484466). Advanced modeling of protein sequence and biophysical properties (such as structural, functional, and spatial information, amino acid conservation, physicochemical variation, residue mobility, and thermodynamic stability) performed at Invitae indicates that this missense variant is not expected to disrupt ATP1A3 protein function. In summary, the available evidence is currently insufficient to determine the role of this variant in disease. Therefore, it has been classified as a Variant of Uncertain Significance.